The following is an entry in ClinVar:

ClinVar aggregate classification (germline): Uncertain significance (1 of 4 stars; one submission).

gnomAD v4.1: 24 of 1,609,884 alleles (0.0015%); highest among the groups gnomAD compares: African/African-American, 0.004%; no homozygotes.

Submission:

Labcorp Genetics (formerly Invitae), Labcorp
Classification: Uncertain significance. Last evaluated: 2022-07-04. Review status: criteria provided, single submitter. Criteria: Invitae Variant Classification Sherloc (09022015). Collection method: clinical testing. Allele origin: germline.
Comment: In summary, the available evidence is currently insufficient to determine the role of this variant in disease. Therefore, it has been classified as a Variant of Uncertain Significance. Variants that disrupt the consensus splice site are a relatively common cause of aberrant splicing (PMID: 17576681, 9536098). Experimental studies and prediction algorithms are not available or were not evaluated, and the effect of this variant on mRNA splicing is currently unknown. This variant has not been reported in the literature in individuals affected with ARMC9-related conditions. This variant is present in population databases (no rsID available, gnomAD 0.01%). This sequence change falls in intron 17 of the ARMC9 gene. It does not directly change the encoded amino acid sequence of the ARMC9 protein. It affects a nucleotide within the consensus splice site.

Literature cited by the submitters: PubMed 17576681; PubMed 9536098.

NM_001352754.2(ARMC9):c.1717+3C>T

Gene: ARMC9 (armadillo repeat containing 9; plus strand). Cytogenetic location: 2q37.1.
Variant type: single nucleotide variant.
Coding change: c.1717+3C>T on transcript NM_001352754.2 (MANE Select); 3 bases into the intron after coding-DNA position 1717, C replaced by T.
Molecular consequence: intron variant.
Genome position (GRCh38, 1-based): chr2:231,291,446, C>T. VCF-style: chr2-231291446-C-T. GRCh37 (hg19) VCF-style: chr2-232156159-C-T.
Other names: c.1717+3C>T (NM_001352755.2, NM_001352756.2, NM_025139.6 and 3 more transcripts); c.1618+3C>T (NM_001352757.2, NM_001352758.2).
Identifiers: ClinVar variation 1922990 (VCV001922990.5), dbSNP rs1267841885, ClinGen allele CA431735805.
Genomic context (GRCh38, chr2:231,291,446, plus strand): 5'-GAAGGCAATGCTGAAATGATCCGCCAGATAGAATTCATCATCAAGCAGCTAAATTCCGGT[C>T]AGTTTGATGCAAGAATCTTTGATCTATCTTTTGAATTATTCACATTTGCCAGAAAGACAC-3'